The following is an entry in ClinVar:

ClinVar aggregate classification (germline): Benign (0 of 4 stars; one submission).

Conditions:
MUC16-related disorder. Also called: MUC16-related condition.

Allele frequency attached by ClinVar (database versions not stated): gnomAD exomes 0.00174; ExAC 0.00583; ESP Exome Variant Server 0.01720; gnomAD 0.01868; 1000 Genomes Project 0.02017; TOPMed 0.02051; 1000 Genomes Project 30x 0.02155.

Submission:

PreventionGenetics, part of Exact Sciences
Classification: Benign for MUC16-related condition. Last evaluated: 2019-02-18. Review status: no assertion criteria provided. Collection method: clinical testing. Allele origin: germline.
Comment: This variant is classified as benign based on ACMG/AMP sequence variant interpretation guidelines (Richards et al. 2015 PMID: 25741868, with internal and published modifications).

NM_001401501.2(MUC16):c.43651+9G>C

Gene: MUC16 (mucin 16, cell surface associated; minus strand). Cytogenetic location: 19p13.2.
Variant type: single nucleotide variant.
Coding change: c.43651+9G>C on transcript NM_001401501.2 (MANE Select); 9 bases into the intron after coding-DNA position 43651, G replaced by C.
Molecular consequence: intron variant.
Genome position (GRCh38, 1-based): chr19:8,851,267, C>G on the plus strand (G>C on the coding strand, the complement: MUC16 is on the minus strand). VCF-style: chr19-8851267-C-G. GRCh37 (hg19) VCF-style: chr19-8961943-C-G.
Other names: c.44077+9G>C (NM_001414686.1); c.43531+9G>C (NM_001414687.1); c.43425+9G>C (NM_024690.2).
Identifiers: ClinVar variation 3044590 (VCV003044590.2), dbSNP rs80322456, ClinGen allele CA9162048.
Genomic context (GRCh38, chr19:8,851,267, plus strand): 5'-GGTTTTATAATATATTAAGAACTCTTACAACCCAATTGTTAAGAAGACAAGCAACCCTTC[C>G]TTGCTCACCAGGACACCGCAGATCAGGCATGTGATGACTCCCAGGAGTCCTGCCAAGCCG-3'